The following is an entry in ClinVar:

NM_004793.4(LONP1):c.2078C>T (p.Ser693Leu)

Gene: LONP1 (lon peptidase 1, mitochondrial; minus strand). Cytogenetic location: 19p13.3.
Variant type: single nucleotide variant.
Coding change: c.2078C>T on transcript NM_004793.4 (MANE Select); coding-DNA position 2078, C replaced by T.
Protein change: p.Ser693Leu; replaces serine 693 with leucine.
Molecular consequence: missense variant. On other transcripts: non-coding transcript variant (1).
Genome position (GRCh38, 1-based): chr19:5,694,837, G>A on the plus strand (C>T on the coding strand, the complement: LONP1 is on the minus strand). VCF-style: chr19-5694837-G-A. GRCh37 (hg19) VCF-style: chr19-5694848-G-A.
Other names: c.1886C>T, p.Ser629Leu (NM_001276479.2); c.1490C>T, p.Ser497Leu (NM_001276480.1); short protein forms S693L, S497L, S629L.
Identifiers: ClinVar variation 1985764 (VCV001985764.4), dbSNP rs772463069, ClinGen allele CA9114302.

ClinVar aggregate classification (germline): Uncertain significance (1 of 4 stars; one submission).

Allele frequency attached by ClinVar (database versions not stated): gnomAD exomes 0.00001; TOPMed 0.00001; ExAC 0.00002; gnomAD 0.00001.
gnomAD v4.1: 13 of 1,604,428 alleles (0.00081%); highest among the groups gnomAD compares: Admixed American, 0.0067%; no homozygotes.

Submission:

Labcorp Genetics (formerly Invitae), Labcorp
Classification: Uncertain significance. Last evaluated: 2022-01-04. Review status: criteria provided, single submitter. Criteria: Invitae Variant Classification Sherloc (09022015). Collection method: clinical testing. Allele origin: germline.
Comment: This variant is present in population databases (rs772463069, gnomAD 0.007%). In summary, the available evidence is currently insufficient to determine the role of this variant in disease. Therefore, it has been classified as a Variant of Uncertain Significance. Algorithms developed to predict the effect of missense changes on protein structure and function (SIFT, PolyPhen-2, Align-GVGD) all suggest that this variant is likely to be tolerated. This variant has not been reported in the literature in individuals affected with LONP1-related conditions. This sequence change replaces serine, which is neutral and polar, with leucine, which is neutral and non-polar, at codon 693 of the LONP1 protein (p.Ser693Leu).